The following is an entry in ClinVar:

ClinVar aggregate classification (germline): Uncertain significance. Review status: criteria provided, multiple submitters, no conflicts (2 of 4 stars). 2 submissions from 2 submitters: Uncertain significance (2). Last evaluated 2025-06-11.

Conditions:
Inborn genetic diseases. Identifiers: MedGen C0950123, MeSH D030342.

Allele frequency attached by ClinVar (database versions not stated): TOPMed below 0.00001; gnomAD exomes 0.00002; gnomAD 0.00001; ExAC 0.00002; ESP Exome Variant Server 0.00008.
gnomAD v4.1: 26 of 1,613,904 alleles (0.0016%); highest among the groups gnomAD compares: Admixed American, 0.0067%; no homozygotes.

Submissions (2):

Ambry Genetics
Classification: Uncertain significance for Inborn genetic diseases. Last evaluated: 2025-06-11. Review status: criteria provided, single submitter. Criteria: Ambry Variant Classification Scheme 2023. Collection method: clinical testing. Allele origin: germline.

Labcorp Genetics (formerly Invitae), Labcorp
Classification: Uncertain significance. Last evaluated: 2021-10-28. Review status: criteria provided, single submitter. Criteria: Invitae Variant Classification Sherloc (09022015). Collection method: clinical testing. Allele origin: germline.
Comment: This sequence change replaces proline, which is neutral and non-polar, with serine, which is neutral and polar, at codon 358 of the LBR protein (p.Pro358Ser). This variant is present in population databases (rs145328578, gnomAD 0.01%). This variant has not been reported in the literature in individuals affected with LBR-related conditions. Advanced modeling of protein sequence and biophysical properties (such as structural, functional, and spatial information, amino acid conservation, physicochemical variation, residue mobility, and thermodynamic stability) performed at Invitae indicates that this missense variant is not expected to disrupt LBR protein function. In summary, the available evidence is currently insufficient to determine the role of this variant in disease. Therefore, it has been classified as a Variant of Uncertain Significance.

NM_002296.4(LBR):c.1072C>T (p.Pro358Ser)

Gene: LBR (lamin B receptor; minus strand). Cytogenetic location: 1q42.12.
Variant type: single nucleotide variant.
Coding change: c.1072C>T on transcript NM_002296.4 (MANE Select); coding-DNA position 1072, C replaced by T.
Protein change: p.Pro358Ser; replaces proline 358 with serine.
Molecular consequence: missense variant.
Genome position (GRCh38, 1-based): chr1:225,412,466, G>A on the plus strand (C>T on the coding strand, the complement: LBR is on the minus strand). VCF-style: chr1-225412466-G-A. GRCh37 (hg19) VCF-style: chr1-225600168-G-A.
Other names: c.1072C>T, p.Pro358Ser (NM_194442.3); c.1072C>T (NM_002296.3); short protein forms P358S.
Identifiers: ClinVar variation 1426469 (VCV001426469.2), dbSNP rs145328578, ClinGen allele CA1417253.